The following is an entry in ClinVar:

NM_080916.3(DGUOK):c.-10C>T

Gene: DGUOK (deoxyguanosine kinase; plus strand). Cytogenetic location: 2p13.1.
Variant type: single nucleotide variant.
Coding change: c.-10C>T on transcript NM_080916.3 (MANE Select); 10 bases upstream of the start codon, C replaced by T.
Molecular consequence: 5 prime UTR variant. On other transcripts: non-coding transcript variant (6).
Genome position (GRCh38, 1-based): chr2:73,926,901, C>T. VCF-style: chr2-73926901-C-T. GRCh37 (hg19) VCF-style: chr2-74154028-C-T.
Other names: c.-10C>T (NM_001318859.2, NM_080918.3); c.-188C>T (NM_001318860.2, NM_001318863.2); c.-274C>T (NM_001318861.2, NM_001318862.2).
Identifiers: ClinVar variation 3047575 (VCV003047575.2), dbSNP rs1210425272, ClinGen allele CA2659643093.

ClinVar aggregate classification (germline): Likely benign (0 of 4 stars; one submission).

Conditions:
DGUOK-related disorder. Also called: DGUOK-related condition.

gnomAD v4.1: 3 of 1,613,342 alleles (0.00019%); highest among the groups gnomAD compares: East Asian, 0.0022%; no homozygotes.

Submission:

PreventionGenetics, part of Exact Sciences
Classification: Likely benign for DGUOK-related condition. Last evaluated: 2020-03-23. Review status: no assertion criteria provided. Collection method: clinical testing. Allele origin: germline.
Comment: This variant is classified as likely benign based on ACMG/AMP sequence variant interpretation guidelines (Richards et al. 2015 PMID: 25741868, with internal and published modifications).